The following is an entry in ClinVar:

ClinVar aggregate classification (germline): Uncertain significance (1 of 4 stars; one submission).

Conditions:
Spastic paraplegia. Identifiers: MedGen C0037772, HP:0001258.

Allele frequency attached by ClinVar (database versions not stated): TOPMed below 0.00001; ExAC 0.00001.

Submission:

Labcorp Genetics (formerly Invitae), Labcorp
Classification: Uncertain significance for Spastic paraplegia. Last evaluated: 2022-08-28. Review status: criteria provided, single submitter. Criteria: Invitae Variant Classification Sherloc (09022015). Collection method: clinical testing. Allele origin: germline.
Comment: In summary, the available evidence is currently insufficient to determine the role of this variant in disease. Therefore, it has been classified as a Variant of Uncertain Significance. Advanced modeling of protein sequence and biophysical properties (such as structural, functional, and spatial information, amino acid conservation, physicochemical variation, residue mobility, and thermodynamic stability) performed at Invitae indicates that this missense variant is expected to disrupt KDM5C protein function. This variant has not been reported in the literature in individuals affected with KDM5C-related conditions. This variant is not present in population databases (gnomAD no frequency). This sequence change replaces glycine, which is neutral and non-polar, with aspartic acid, which is acidic and polar, at codon 505 of the KDM5C protein (p.Gly505Asp).

NM_004187.5(KDM5C):c.1514G>A (p.Gly505Asp)

Gene: KDM5C (lysine demethylase 5C; minus strand). Cytogenetic location: Xp11.22.
Variant type: single nucleotide variant.
Coding change: c.1514G>A on transcript NM_004187.5 (MANE Select); coding-DNA position 1514, G replaced by A.
Protein change: p.Gly505Asp; replaces glycine 505 with aspartic acid.
Molecular consequence: missense variant. On other transcripts: non-coding transcript variant (3).
Genome position (GRCh38, 1-based): chrX:53,210,745, C>T on the plus strand (G>A on the coding strand, the complement: KDM5C is on the minus strand). VCF-style: chrX-53210745-C-T. GRCh37 (hg19) VCF-style: chrX-53239927-C-T.
Other names: c.1313G>A, p.Gly438Asp (NM_001146702.2); c.1511G>A, p.Gly504Asp (NM_001282622.3, NM_001353979.2, NM_001353982.2); c.1514G>A, p.Gly505Asp (NM_001353978.3, NM_001353981.2, NM_001353984.2); short protein forms G438D, G504D, G505D.
Identifiers: ClinVar variation 1718233 (VCV001718233.5), dbSNP rs782012138, ClinGen allele CA10419518.